The following is an entry in ClinVar:

NM_000059.4(BRCA2):c.4793del (p.Leu1598fs)

Gene: BRCA2 (BRCA2 DNA repair associated; plus strand). Cytogenetic location: 13q13.1.
Variant type: Deletion.
Coding change: c.4793del on transcript NM_000059.4 (MANE Select); coding-DNA position 4793, one base deleted (T; older notation c.4793delT).
Protein change: p.Leu1598fs; shifts the reading frame from leucine 1598.
Molecular consequence: frameshift variant.
Genome position (GRCh38, 1-based): chr13:32,339,148, T deleted. VCF-style (leftmost placement, unchanged base first): chr13-32339147-CT-C. GRCh37 (hg19) VCF-style: chr13-32913284-CT-C.
Other names: short protein forms L1598fs.
Identifiers: ClinVar variation 1743118 (VCV001743118.6), dbSNP rs2548529333, ClinGen allele CA2499222179.

ClinVar aggregate classification (germline): Pathogenic. Review status: criteria provided, multiple submitters, no conflicts (2 of 4 stars). 2 submissions from 2 submitters: Pathogenic (2). Last evaluated 2025-07-03.

Conditions:
Hereditary cancer-predisposing syndrome. Also called: Hereditary Cancer Syndrome; Neoplastic Syndromes, Hereditary; Tumor predisposition; Hereditary neoplastic syndrome. Identifiers: Orphanet 140162, MedGen C0027672, MeSH D009386, MONDO:0015356.
Hereditary breast ovarian cancer syndrome. Also called: Breast and ovarian cancer; Hereditary breast and ovarian cancer; Hereditary breast and/or ovarian cancer syndrome; BRCA1- and BRCA2-Associated Hereditary Breast and Ovarian Cancer; Hereditary breast and ovarian cancer syndrome (HBOC); Hereditary breast and ovarian cancer syndrome. Identifiers: Orphanet 145, MedGen C0677776, MeSH D061325, MONDO:0003582. Disease mechanism: loss of function.

Submissions (2):

Ambry Genetics
Classification: Pathogenic for Hereditary cancer-predisposing syndrome. Last evaluated: 2025-07-03. Review status: criteria provided, single submitter. Criteria: Ambry Variant Classification Scheme 2023. Collection method: clinical testing. Allele origin: germline.
Comment: The c.4793delT pathogenic mutation, located in coding exon 10 of the BRCA2 gene, results from a deletion of one nucleotide at nucleotide position 4793, causing a translational frameshift with a predicted alternate stop codon (p.L1598Pfs*19). This variant is considered to be rare based on population cohorts in the Genome Aggregation Database (gnomAD). In addition to the clinical data presented in the literature, this alteration is expected to result in loss of function by premature protein truncation or nonsense-mediated mRNA decay. As such, this alteration is interpreted as a disease-causing mutation.

Labcorp Genetics (formerly Invitae), Labcorp
Classification: Pathogenic for Hereditary breast ovarian cancer syndrome. Last evaluated: 2022-11-15. Review status: criteria provided, single submitter. Criteria: Invitae Variant Classification Sherloc (09022015). Collection method: clinical testing. Allele origin: germline.
Comment: This variant is not present in population databases (gnomAD no frequency). For these reasons, this variant has been classified as Pathogenic. This variant has not been reported in the literature in individuals affected with BRCA2-related conditions. This sequence change creates a premature translational stop signal (p.Leu1598Profs*19) in the BRCA2 gene. It is expected to result in an absent or disrupted protein product. Loss-of-function variants in BRCA2 are known to be pathogenic (PMID: 20104584).

Literature cited by the submitters: PubMed 25186627 (cited by Ambry Genetics); PubMed 20104584 (cited by Labcorp Genetics (formerly Invitae), Labcorp).